The following is an entry in ClinVar:

ClinVar aggregate classification (germline): Uncertain significance. Review status: criteria provided, multiple submitters, no conflicts (2 of 4 stars). 2 submissions from 2 submitters: Uncertain significance (2). Last evaluated 2025-12-03.

Allele frequency attached by ClinVar (database versions not stated): gnomAD 0.00001; TOPMed 0.00002; ExAC 0.00007; gnomAD exomes 0.00008.
gnomAD v4.1: 21 of 1,559,916 alleles (0.0013%); highest among the groups gnomAD compares: Admixed American, 0.036%; no homozygotes.

Submissions (2):

Labcorp Genetics (formerly Invitae), Labcorp
Classification: Uncertain significance. Last evaluated: 2025-12-03. Review status: criteria provided, single submitter. Criteria: Invitae Variant Classification Sherloc (09022015). Collection method: clinical testing. Allele origin: germline.
Comment: This sequence change replaces arginine, which is basic and polar, with leucine, which is neutral and non-polar, at codon 891 of the PITPNM3 protein (p.Arg891Leu). This variant is present in population databases (rs778313499, gnomAD 0.05%), and has an allele count higher than expected for a pathogenic variant. This variant has not been reported in the literature in individuals affected with PITPNM3-related conditions. ClinVar contains an entry for this variant (Variation ID: 1387685). Invitae Evidence Modeling of protein sequence and biophysical properties (such as structural, functional, and spatial information, amino acid conservation, physicochemical variation, residue mobility, and thermodynamic stability) indicates that this missense variant is not expected to disrupt PITPNM3 protein function with a negative predictive value of 80%. In summary, the available evidence is currently insufficient to determine the role of this variant in disease. Therefore, it has been classified as a Variant of Uncertain Significance.

Ambry Genetics
Classification: Uncertain significance. Last evaluated: 2024-02-27. Review status: criteria provided, single submitter. Criteria: Ambry Variant Classification Scheme 2023. Collection method: clinical testing. Allele origin: germline.

NM_031220.4(PITPNM3):c.2672G>T (p.Arg891Leu)

Gene: PITPNM3 (PITPNM family member 3; minus strand). Cytogenetic location: 17p13.2.
Variant type: single nucleotide variant.
Coding change: c.2672G>T on transcript NM_031220.4 (MANE Select); coding-DNA position 2672, G replaced by T.
Protein change: p.Arg891Leu; replaces arginine 891 with leucine.
Molecular consequence: missense variant.
Genome position (GRCh38, 1-based): chr17:6,455,591, C>A on the plus strand (G>T on the coding strand, the complement: PITPNM3 is on the minus strand). VCF-style: chr17-6455591-C-A. GRCh37 (hg19) VCF-style: chr17-6358911-C-A.
Other names: c.2564G>T, p.Arg855Leu (NM_001165966.2); c.2672G>T (NM_031220.3); short protein forms R855L, R891L.
Identifiers: ClinVar variation 1387685 (VCV001387685.7), dbSNP rs778313499, ClinGen allele CA8329053.